The following is an entry in ClinVar:

ClinVar aggregate classification (germline): Conflicting classifications of pathogenicity. Review status: criteria provided, conflicting classifications (1 of 4 stars). 3 submissions from 3 submitters: Likely pathogenic (2); Uncertain significance (1). Last evaluated 2024-10-10.

Conditions:
MYH7-related disorder. Also called: MYH7-related disorders; MYH7-related condition; MYH7-related disease.
Hypertrophic cardiomyopathy. Also called: HYPERTROPHIC MYOCARDIOPATHY. Identifiers: Orphanet 217569, MedGen C0007194, MeSH D002312, MONDO:0005045, HP:0001639.

Allele frequency attached by ClinVar (database versions not stated): gnomAD exomes below 0.00001.
gnomAD v4.1: 2 of 1,614,190 alleles (0.00012%); highest among the groups gnomAD compares: Non-Finnish European, 0.00017%; no homozygotes.

Submissions (3):

Blueprint Genetics
Classification: Likely pathogenic for MYH7-related disorders. Last evaluated: 2024-10-10. Review status: criteria provided, single submitter. Criteria: ACMG Guidelines, 2015. Collection method: clinical testing. Allele origin: germline. Affected: yes. Observed: 5 variant alleles.

Labcorp Genetics (formerly Invitae), Labcorp
Classification: Uncertain significance for Hypertrophic cardiomyopathy. Last evaluated: 2024-02-25. Review status: criteria provided, single submitter. Criteria: Invitae Variant Classification Sherloc (09022015). Collection method: clinical testing. Allele origin: germline.
Comment: This sequence change replaces valine, which is neutral and non-polar, with alanine, which is neutral and non-polar, at codon 586 of the MYH7 protein (p.Val586Ala). This variant is not present in population databases (gnomAD no frequency). This missense change has been observed in individual(s) with hypertrophic cardiomyopathy (PMID: 27532257). ClinVar contains an entry for this variant (Variation ID: 42865). Advanced modeling of protein sequence and biophysical properties (such as structural, functional, and spatial information, amino acid conservation, physicochemical variation, residue mobility, and thermodynamic stability) performed at Invitae indicates that this missense variant is expected to disrupt MYH7 protein function with a positive predictive value of 95%. In summary, the available evidence is currently insufficient to determine the role of this variant in disease. Therefore, it has been classified as a Variant of Uncertain Significance.

Laboratory for Molecular Medicine, Mass General Brigham Personalized Medicine
Classification: Likely pathogenic for Hypertrophic cardiomyopathy. Last evaluated: 2023-02-01. Review status: criteria provided, single submitter. Criteria: ACMG Guidelines, 2015. Collection method: clinical testing. Allele origin: germline. Inheritance: Autosomal dominant inheritance.
Comment: The p.Val586Ala variant in MYH7 has been identified in 4 individuals with hypertrophic cardiomyopathy (HCM) and segregated with disease in 4 individuals affected relatives from 1 family (3 HCM, 1 left ventricular hypertrophy; Walsh 2017 PMID: 27532257, LMM data, Invitae pers. comm.). This variant has also been reported by other clinical laboratories in ClinVar (Variation ID 42865) and was absent from large population studies. Computational prediction tools and conservation analyses are consistent with pathogenicity. This variant lies in the head region of the protein and missense variants in this region are statistically more likely to be disease-associated (Walsh 2016 PMID: 27532257). In summary, although additional studies are required to fully establish its clinical significance, this variant meets criteria to be classified as likely pathogenic for autosomal dominant HCM. ACMG/AMP Criteria applied: PM1, PM2_Supporting, PP1, PS4_Supporting, PP3.

Literature cited by the submitters: PubMed 27532257 (cited by Labcorp Genetics (formerly Invitae), Labcorp and Laboratory for Molecular Medicine, Mass General Brigham Personalized Medicine); PubMed 25611685 (cited by Laboratory for Molecular Medicine, Mass General Brigham Personalized Medicine).

NM_000257.4(MYH7):c.1757T>C (p.Val586Ala)

Gene: MYH7 (myosin heavy chain 7; minus strand). Cytogenetic location: 14q11.2.
Variant type: single nucleotide variant.
Coding change: c.1757T>C on transcript NM_000257.4 (MANE Select); coding-DNA position 1757, T replaced by C.
Protein change: p.Val586Ala; replaces valine 586 with alanine.
Molecular consequence: missense variant.
Genome position (GRCh38, 1-based): chr14:23,427,716, A>G on the plus strand (T>C on the coding strand, the complement: MYH7 is on the minus strand). VCF-style: chr14-23427716-A-G. GRCh37 (hg19) VCF-style: chr14-23896925-A-G.
Other names: short protein forms V586A.
Identifiers: ClinVar variation 42865 (VCV000042865.18), dbSNP rs397516121, ClinGen allele CA011211.